The following is an entry in ClinVar:

NM_016203.4(PRKAG2):c.865G>A (p.Val289Ile)

Gene: PRKAG2 (protein kinase AMP-activated non-catalytic subunit gamma 2; minus strand). Cytogenetic location: 7q36.1.
Variant type: single nucleotide variant.
Coding change: c.865G>A on transcript NM_016203.4 (MANE Select); coding-DNA position 865, G replaced by A.
Protein change: p.Val289Ile; replaces valine 289 with isoleucine.
Molecular consequence: missense variant.
Genome position (GRCh38, 1-based): chr7:151,576,452, C>T on the plus strand (G>A on the coding strand, the complement: PRKAG2 is on the minus strand). VCF-style: chr7-151576452-C-T. GRCh37 (hg19) VCF-style: chr7-151273538-C-T.
Other names: c.733G>A, p.Val245Ile (NM_001040633.2); c.490G>A, p.Val164Ile (NM_001304527.2); c.142G>A, p.Val48Ile (NM_001304531.2, NM_024429.2); c.493G>A, p.Val165Ile (NM_001363698.2); short protein forms V289I, V164I, V245I, V165I, V48I.
Identifiers: ClinVar variation 45736 (VCV000045736.21), dbSNP rs397517282, ClinGen allele CA014575.

ClinVar aggregate classification (germline): Uncertain significance. Review status: criteria provided, multiple submitters, no conflicts (2 of 4 stars). 6 submissions from 6 submitters: Uncertain significance (6). Last evaluated 2024-11-26.

Conditions:
Wolff-Parkinson-White pattern. Also called: Auriculoventricular accessory pathway syndrome; False bundle branch block syndrome; Anomalous ventricular excitation syndrome; WPW SYNDROME. Identifiers: MedGen C0043202, MONDO:0008685, OMIM 194200, HP:0001716.
Lethal congenital glycogen storage disease of heart. Also called: PHOSPHORYLASE KINASE DEFICIENCY OF HEART; GLYCOGEN STORAGE DISEASE OF HEART. Identifiers: Orphanet 439854, MedGen C1849813, MONDO:0009867, OMIM 261740.
Hypertrophic cardiomyopathy 6. Identifiers: MedGen C1833236, MONDO:0010946, OMIM 600858.
Cardiomyopathy (CMYO). Also called: Cardiomyopathies. Identifiers: Orphanet 167848, MedGen C0878544, MONDO:0004994, HP:0001638. Inheritance: Various modes of inheritance.
Hypertrophic cardiomyopathy. Also called: HYPERTROPHIC MYOCARDIOPATHY. Identifiers: Orphanet 217569, MedGen C0007194, MeSH D002312, MONDO:0005045, HP:0001639.

Allele frequency attached by ClinVar (database versions not stated): ExAC 0.00001; gnomAD exomes below 0.00001.
gnomAD v4.1: 5 of 1,591,356 alleles (0.00031%); highest among the groups gnomAD compares: Non-Finnish European, 0.00034%; no homozygotes.

Submissions (6):

GeneDx
Classification: Uncertain significance. Last evaluated: 2024-11-26. Review status: criteria provided, single submitter. Criteria: GeneDx Variant Classification Process June 2021. Collection method: clinical testing. Allele origin: germline.
Comment: Identified in a patient with hypertrophic cardiomyopathy, but additional clinical information was not included (PMID: 27532257); In silico analysis indicates that this missense variant does not alter protein structure/function; Not observed at significant frequency in large population cohorts (gnomAD); This variant is associated with the following publications: (PMID: 27532257)

Labcorp Genetics (formerly Invitae), Labcorp
Classification: Uncertain significance for Lethal congenital glycogen storage disease of heart. Last evaluated: 2024-04-10. Review status: criteria provided, single submitter. Criteria: Invitae Variant Classification Sherloc (09022015). Collection method: clinical testing. Allele origin: germline.
Comment: This sequence change replaces valine, which is neutral and non-polar, with isoleucine, which is neutral and non-polar, at codon 289 of the PRKAG2 protein (p.Val289Ile). This variant is present in population databases (rs397517282, gnomAD 0.0009%). This missense change has been observed in individual(s) with hypertrophic cardiomyopathy (PMID: 27532257). ClinVar contains an entry for this variant (Variation ID: 45736). An algorithm developed to predict the effect of missense changes on protein structure and function (PolyPhen-2) suggests that this variant is likely to be disruptive. In summary, the available evidence is currently insufficient to determine the role of this variant in disease. Therefore, it has been classified as a Variant of Uncertain Significance.

Color Diagnostics, LLC DBA Color Health
Classification: Uncertain significance for Cardiomyopathy. Last evaluated: 2024-01-02. Review status: criteria provided, single submitter. Criteria: ACMG Guidelines, 2015. Collection method: clinical testing. Allele origin: germline.
Comment: This missense variant replaces valine with isoleucine at codon 289 of the PRKAG2 protein. Computational prediction tools indicate that this variant has a neutral impact on protein structure and function. To our knowledge, functional studies have not been reported for this variant. This variant has been reported in one individual affected with hypertrophic cardiomyopathy (PMID: 27532257). This variant has been identified in 1/250708 chromosomes in the general population by the Genome Aggregation Database (gnomAD). The available evidence is insufficient to determine the role of this variant in disease conclusively. Therefore, this variant is classified as a Variant of Uncertain Significance.

All of Us Research Program, National Institutes of Health
Classification: Uncertain significance for Hypertrophic cardiomyopathy. Last evaluated: 2023-10-06. Review status: criteria provided, single submitter. Criteria: ACMG Guidelines, 2015. Collection method: clinical testing. Allele origin: germline. Inheritance: Autosomal dominant inheritance. Observed: 3 variant alleles, 3 heterozygotes.
Comment: This missense variant replaces valine with isoleucine at codon 289 of the PRKAG2 protein. Computational prediction tool suggests that this variant may not impact protein structure and function (internally defined REVEL score threshold <=0.5, PMID: 27666373). Splice site prediction tools suggest that this variant may not impact RNA splicing. To our knowledge, functional studies have not been performed for this variant. This variant has not been reported in individuals affected with cardiovascular disorders in the literature. This variant has been identified in 1/250708 chromosomes in the general population by the Genome Aggregation Database (gnomAD). The available evidence is insufficient to determine the role of this variant in disease conclusively. Therefore, this variant is classified as a Variant of Uncertain Significance.

This study involves interpretation of variants in research participants for the purpose of population health screening. Participant phenotype was not available at the time of variant classification. Additional details can be found in publication PMID: 35346344, PMCID: PMC8962531

Fulgent Genetics
Classification: Uncertain significance for Wolff-Parkinson-White pattern; Lethal congenital glycogen storage disease of heart; Hypertrophic cardiomyopathy 6. Last evaluated: 2021-10-27. Review status: criteria provided, single submitter. Criteria: ACMG Guidelines, 2015. Collection method: clinical testing. Allele origin: unknown.

Laboratory for Molecular Medicine, Mass General Brigham Personalized Medicine
Classification: Uncertain significance. Last evaluated: 2013-02-06. Review status: criteria provided, single submitter. Criteria: LMM Criteria. Collection method: clinical testing. Allele origin: germline. Observed: 1 variant allele.
Comment: The Val289Ile variant in PRKAG2 has not been reported in the literature and was absent from in large European American and African American populations by the N HLBI Exome Sequencing Project, which increase s the likelihood that the variant is pathogenic. The variant occurs in the first base of the exon and though variants in this position can sometimes affect splicing, computational tools do not predict an effect. Valine (Val) at position 289 is highly conserved in mamm als and across evolutionarily distant species, though computational analyses (bi ochemical amino acid properties, AlignGVGD, PolyPhen2, and SIFT) do not provide strong support for or against an impact to the protein. In summary, additional i nformation is needed to fully assess the clinical significance of this variant.

Literature cited by the submitters: PubMed 27532257 (cited by Labcorp Genetics (formerly Invitae), Labcorp and Color Diagnostics, LLC DBA Color Health).